The following is an entry in ClinVar:

NM_001369268.1(ACAN):c.2140G>A (p.Val714Ile)

Gene: ACAN (aggrecan; plus strand). Cytogenetic location: 15q26.1.
Variant type: single nucleotide variant.
Coding change: c.2140G>A on transcript NM_001369268.1 (MANE Select); coding-DNA position 2140, G replaced by A.
Protein change: p.Val714Ile; replaces valine 714 with isoleucine.
Molecular consequence: missense variant.
Genome position (GRCh38, 1-based): chr15:88,851,907, G>A. VCF-style: chr15-88851907-G-A. GRCh37 (hg19) VCF-style: chr15-89395138-G-A.
Other names: c.2140G>A, p.Val714Ile (NM_001135.4, NM_001411096.1, NM_001411097.1 and 1 more transcripts); c.2140G>A (NM_013227.3); short protein forms V714I.
Identifiers: ClinVar variation 2201311 (VCV002201311.5), dbSNP rs747501102, ClinGen allele CA7719805.

ClinVar aggregate classification (germline): Uncertain significance. Review status: criteria provided, multiple submitters, no conflicts (2 of 4 stars). 2 submissions from 2 submitters: Uncertain significance (2). Last evaluated 2025-07-31.

Conditions:
Inborn genetic diseases. Identifiers: MedGen C0950123, MeSH D030342.

Allele frequency attached by ClinVar (database versions not stated): TOPMed 0.00001; ExAC 0.00002.
gnomAD v4.1: 10 of 1,612,308 alleles (0.00062%); highest among the groups gnomAD compares: South Asian, 0.0022%; no homozygotes.

Submissions (2):

Labcorp Genetics (formerly Invitae), Labcorp
Classification: Uncertain significance. Last evaluated: 2025-07-31. Review status: criteria provided, single submitter. Criteria: Invitae Variant Classification Sherloc (09022015). Collection method: clinical testing. Allele origin: germline.
Comment: This sequence change replaces valine, which is neutral and non-polar, with isoleucine, which is neutral and non-polar, at codon 714 of the ACAN protein (p.Val714Ile). This variant is present in population databases (rs747501102, gnomAD 0.007%). This variant has not been reported in the literature in individuals affected with ACAN-related conditions. ClinVar contains an entry for this variant (Variation ID: 2201311). Invitae Evidence Modeling of protein sequence and biophysical properties (such as structural, functional, and spatial information, amino acid conservation, physicochemical variation, residue mobility, and thermodynamic stability) indicates that this missense variant is not expected to disrupt ACAN protein function with a negative predictive value of 80%. In summary, the available evidence is currently insufficient to determine the role of this variant in disease. Therefore, it has been classified as a Variant of Uncertain Significance.

Ambry Genetics
Classification: Uncertain significance for Inborn genetic diseases. Last evaluated: 2024-06-19. Review status: criteria provided, single submitter. Criteria: Ambry Variant Classification Scheme 2023. Collection method: clinical testing. Allele origin: germline.